The following is an entry in ClinVar:

NM_004699.4(FAM50A):c.905A>G (p.His302Arg)

Gene: FAM50A (family with sequence similarity 50 member A; plus strand). Cytogenetic location: Xq28.
Variant type: single nucleotide variant.
Coding change: c.905A>G on transcript NM_004699.4 (MANE Select); coding-DNA position 905, A replaced by G.
Protein change: p.His302Arg; replaces histidine 302 with arginine.
Molecular consequence: missense variant.
Genome position (GRCh38, 1-based): chrX:154,450,213, A>G. VCF-style: chrX-154450213-A-G. GRCh37 (hg19) VCF-style: chrX-153678561-A-G.
Other names: short protein forms H302R.
Identifiers: ClinVar variation 3600822 (VCV003600822.1).
Genomic context (GRCh38, chrX:154,450,213, plus strand): 5'-AGAAGCCAAGGGAAGGGGAGGTCAGCAGGCGGCCCTGTGCCCTCTTCCTCCCTTAGTCCC[A>G]TGCAGGCAAGGTGGTGCTGAGGAGCTGGTACGAGAAGAACAAGCACATCTTTCCCGCCAG-3'
Protein context (NP_004690.1, residues 292-312): SDATVEKDES[His302Arg]AGKVVLRSWY

ClinVar aggregate classification (germline): Uncertain significance (1 of 4 stars; one submission).

Submission:

GeneDx
Classification: Uncertain significance. Last evaluated: 2024-07-21. Review status: criteria provided, single submitter. Criteria: GeneDx Variant Classification Process June 2021. Collection method: clinical testing. Allele origin: germline. Affected: yes.
Comment: Not observed at significant frequency in large population cohorts (gnomAD); In silico analysis supports that this missense variant has a deleterious effect on protein structure/function; Has not been previously published as pathogenic or benign to our knowledge